The following is an entry in ClinVar:

ClinVar aggregate classification (germline): Uncertain significance (1 of 4 stars; one submission).

Allele frequency attached by ClinVar (database versions not stated): ExAC 0.00001; gnomAD 0.00001; gnomAD exomes 0.00001.
gnomAD v4.1: 18 of 1,612,976 alleles (0.0011%); highest among the groups gnomAD compares: South Asian, 0.013%; no homozygotes.

Submission:

Labcorp Genetics (formerly Invitae), Labcorp
Classification: Uncertain significance. Last evaluated: 2024-11-27. Review status: criteria provided, single submitter. Criteria: Invitae Variant Classification Sherloc (09022015). Collection method: clinical testing. Allele origin: germline.
Comment: This sequence change replaces serine, which is neutral and polar, with arginine, which is basic and polar, at codon 105 of the COL9A3 protein (p.Ser105Arg). This variant is present in population databases (rs777987802, gnomAD 0.02%). This variant has not been reported in the literature in individuals affected with COL9A3-related conditions. ClinVar contains an entry for this variant (Variation ID: 2962976). Invitae Evidence Modeling of protein sequence and biophysical properties (such as structural, functional, and spatial information, amino acid conservation, physicochemical variation, residue mobility, and thermodynamic stability) indicates that this missense variant is not expected to disrupt COL9A3 protein function with a negative predictive value of 95%. In summary, the available evidence is currently insufficient to determine the role of this variant in disease. Therefore, it has been classified as a Variant of Uncertain Significance.

NM_001853.4(COL9A3):c.315T>G (p.Ser105Arg)

Gene: COL9A3 (collagen type IX alpha 3 chain; plus strand). Cytogenetic location: 20q13.33.
Variant type: single nucleotide variant.
Coding change: c.315T>G on transcript NM_001853.4 (MANE Select); coding-DNA position 315, T replaced by G.
Protein change: p.Ser105Arg; replaces serine 105 with arginine.
Molecular consequence: missense variant.
Genome position (GRCh38, 1-based): chr20:62,821,186, T>G. VCF-style: chr20-62821186-T-G. GRCh37 (hg19) VCF-style: chr20-61452538-T-G.
Other names: short protein forms S105R.
Identifiers: ClinVar variation 2962976 (VCV002962976.3), dbSNP rs777987802, ClinGen allele CA9949155.